The following is an entry in ClinVar:

NM_014285.7(EXOSC2):c.172G>C (p.Gly58Arg)

Gene: EXOSC2 (exosome component 2; plus strand). Cytogenetic location: 9q34.12.
Variant type: single nucleotide variant.
Coding change: c.172G>C on transcript NM_014285.7 (MANE Select); coding-DNA position 172, G replaced by C.
Protein change: p.Gly58Arg; replaces glycine 58 with arginine.
Molecular consequence: missense variant. On other transcripts: non-coding transcript variant (1).
Genome position (GRCh38, 1-based): chr9:130,695,541, G>C. VCF-style: chr9-130695541-G-C. GRCh37 (hg19) VCF-style: chr9-133570928-G-C.
Other names: c.172G>C, p.Gly58Arg (NM_001282708.1, NM_001282709.1); short protein forms G58R.
Identifiers: ClinVar variation 2097867 (VCV002097867.4), dbSNP rs939587418, ClinGen allele CA375246459.

ClinVar aggregate classification (germline): Uncertain significance (1 of 4 stars; one submission).

Submission:

Labcorp Genetics (formerly Invitae), Labcorp
Classification: Uncertain significance. Last evaluated: 2026-01-19. Review status: criteria provided, single submitter. Criteria: Invitae Variant Classification Sherloc (09022015). Collection method: clinical testing. Allele origin: germline.
Comment: This sequence change replaces glycine, which is neutral and non-polar, with arginine, which is basic and polar, at codon 58 of the EXOSC2 protein (p.Gly58Arg). This variant is not present in population databases (gnomAD no frequency). This variant has not been reported in the literature in individuals affected with EXOSC2-related conditions. ClinVar contains an entry for this variant (Variation ID: 2097867). Invitae Evidence Modeling of protein sequence and biophysical properties (such as structural, functional, and spatial information, amino acid conservation, physicochemical variation, residue mobility, and thermodynamic stability) indicates that this missense variant is expected to disrupt EXOSC2 protein function with a positive predictive value of 80%. In summary, the available evidence is currently insufficient to determine the role of this variant in disease. Therefore, it has been classified as a Variant of Uncertain Significance.